The following is an entry in ClinVar:

NM_000465.4(BARD1):c.1176A>G (p.Pro392=)

Gene: BARD1 (BRCA1 associated RING domain 1; minus strand). Cytogenetic location: 2q35.
Variant type: single nucleotide variant.
Coding change: c.1176A>G on transcript NM_000465.4 (MANE Select); coding-DNA position 1176, A replaced by G.
Protein change: p.Pro392=; no amino-acid change (proline 392 retained).
Molecular consequence: synonymous variant. On other transcripts: non-coding transcript variant (2), intron variant (3).
Genome position (GRCh38, 1-based): chr2:214,780,698, T>C on the plus strand (A>G on the coding strand, the complement: BARD1 is on the minus strand). VCF-style: chr2-214780698-T-C. GRCh37 (hg19) VCF-style: chr2-215645422-T-C.
Other names: c.1119A>G, p.Pro373= (NM_001282543.2); c.159-28143A>G (NM_001282548.2); c.215+16363A>G (NM_001282545.2); c.364+11599A>G (NM_001282549.2).
Identifiers: ClinVar variation 818497 (VCV000818497.7), dbSNP rs1416079033, ClinGen allele CA431391665.

ClinVar aggregate classification (germline): Benign/Likely benign. Review status: criteria provided, multiple submitters, no conflicts (2 of 4 stars). 3 submissions from 3 submitters: Benign (1); Likely benign (2). Last evaluated 2024-07-24.

Conditions:
Familial cancer of breast. Also called: hereditary breast carcinoma; Hereditary breast cancer; BREAST CANCER, FAMILIAL. Identifiers: Orphanet 227535, MedGen C0346153, MONDO:0016419, OMIM 114480. Disease mechanism: loss of function.
Hereditary cancer-predisposing syndrome. Also called: Tumor predisposition; Hereditary neoplastic syndrome; Neoplastic Syndromes, Hereditary; Hereditary Cancer Syndrome. Identifiers: Orphanet 140162, MedGen C0027672, MeSH D009386, MONDO:0015356.

Allele frequency attached by ClinVar (database versions not stated): TOPMed 0.00001.

Submissions (3):

Myriad Genetics, Inc.
Classification: Benign for Familial cancer of breast. Last evaluated: 2024-07-24. Review status: criteria provided, single submitter. Criteria: Myriad Autosomal Dominant, Autosomal Recessive and X-Linked Classification Criteria (2023). Collection method: clinical testing. Allele origin: unknown.
Comment: This variant is considered benign. This variant is a silent/synonymous amino acid change and it is not expected to impact splicing.

Ambry Genetics
Classification: Likely benign for Hereditary cancer-predisposing syndrome. Last evaluated: 2019-09-30. Review status: criteria provided, single submitter. Criteria: Ambry Variant Classification Scheme 2023. Collection method: clinical testing. Allele origin: germline.

Color Diagnostics, LLC DBA Color Health
Classification: Likely benign for Hereditary cancer-predisposing syndrome. Last evaluated: 2017-10-26. Review status: criteria provided, single submitter. Criteria: ACMG Guidelines, 2015. Collection method: clinical testing. Allele origin: germline.